The following is an entry in ClinVar:

NM_022124.6(CDH23):c.7975del (p.Arg2659fs)

Genes: CDH23 (cadherin related 23; plus strand), LOC111982869 (Sharpr-MPRA regulatory region 2121; plus strand). Cytogenetic location: 10q22.1.
Variant type: Deletion.
Coding change: c.7975del on transcript NM_022124.6 (MANE Select); coding-DNA position 7975, one base deleted (C; older notation c.7975delC).
Protein change: p.Arg2659fs; shifts the reading frame from arginine 2659.
Molecular consequence: frameshift variant.
Genome position (GRCh38, 1-based): chr10:71,805,908, C deleted; the last of 2 consecutive C bases (chr10:71,805,907-71,805,908); deleting either gives the same sequence. VCF-style (leftmost placement, unchanged base first): chr10-71805906-AC-A. GRCh37 (hg19) VCF-style: chr10-73565663-AC-A.
Other names: c.1255del, p.Arg419fs (NM_001171933.1, NM_001171934.1); short protein forms R2659fs, R419fs.
Identifiers: ClinVar variation 2034104 (VCV002034104.4), dbSNP rs2494426938, ClinGen allele CA2580081912.
Genomic context (GRCh38, chr10:71,805,906, plus strand): 5'-CGGACAAGGATGAGGGCCTCAACGGGGCGGTGCGCTACAGCTTCCTGAAGACTGCGGGCA[AC>A]CGGGACTGGGAGTTCTTCATCATCGACCCAATCAGCGGCCTCATCCAGACTGCTCAGCGC-3'

ClinVar aggregate classification (germline): Pathogenic (1 of 4 stars; one submission).

Submission:

Labcorp Genetics (formerly Invitae), Labcorp
Classification: Pathogenic. Last evaluated: 2022-10-12. Review status: criteria provided, single submitter. Criteria: Invitae Variant Classification Sherloc (09022015). Collection method: clinical testing. Allele origin: germline.
Comment: For these reasons, this variant has been classified as Pathogenic. This variant has not been reported in the literature in individuals affected with CDH23-related conditions. This variant is not present in population databases (gnomAD no frequency). This sequence change creates a premature translational stop signal (p.Arg2659Glyfs*65) in the CDH23 gene. It is expected to result in an absent or disrupted protein product. Loss-of-function variants in CDH23 are known to be pathogenic (PMID: 11138009, 21940737).

Literature cited by the submitters: PubMed 11138009; PubMed 21940737.